The following is an entry in ClinVar:

ClinVar aggregate classification (germline): Uncertain significance (1 of 4 stars; one submission).

Submission:

Labcorp Genetics (formerly Invitae), Labcorp
Classification: Uncertain significance. Last evaluated: 2025-12-30. Review status: criteria provided, single submitter. Criteria: Invitae Variant Classification Sherloc (09022015). Collection method: clinical testing. Allele origin: germline.
Comment: This sequence change replaces leucine, which is neutral and non-polar, with phenylalanine, which is neutral and non-polar, at codon 85 of the BCL11B protein (p.Leu85Phe). This variant is not present in population databases (gnomAD no frequency). This variant has not been reported in the literature in individuals affected with BCL11B-related conditions. Invitae Evidence Modeling of protein sequence and biophysical properties (such as structural, functional, and spatial information, amino acid conservation, physicochemical variation, residue mobility, and thermodynamic stability) indicates that this missense variant is not expected to disrupt BCL11B protein function with a negative predictive value of 95%. In summary, the available evidence is currently insufficient to determine the role of this variant in disease. Therefore, it has been classified as a Variant of Uncertain Significance.

NM_138576.4(BCL11B):c.255G>T (p.Leu85Phe)

Gene: BCL11B (BCL11 transcription factor B; minus strand). Cytogenetic location: 14q32.2.
Variant type: single nucleotide variant.
Coding change: c.255G>T on transcript NM_138576.4 (MANE Select); coding-DNA position 255, G replaced by T.
Protein change: p.Leu85Phe; replaces leucine 85 with phenylalanine.
Molecular consequence: missense variant.
Genome position (GRCh38, 1-based): chr14:99,257,643, C>A on the plus strand (G>T on the coding strand, the complement: BCL11B is on the minus strand). VCF-style: chr14-99257643-C-A. GRCh37 (hg19) VCF-style: chr14-99723980-C-A.
Other names: c.252G>T, p.Leu84Phe (NM_001282237.2, NM_001282238.2); c.255G>T, p.Leu85Phe (NM_022898.3); short protein forms L84F, L85F.
Identifiers: ClinVar variation 4809781 (VCV004809781.1).